The following is an entry in ClinVar:

NM_001351132.2(PEX5):c.237T>G (p.Pro79=)

Gene: PEX5 (peroxisomal biogenesis factor 5; plus strand). Cytogenetic location: 12p13.31.
Variant type: single nucleotide variant.
Coding change: c.237T>G on transcript NM_001351132.2 (MANE Select); coding-DNA position 237, T replaced by G.
Protein change: p.Pro79=; no amino-acid change (proline 79 retained).
Molecular consequence: synonymous variant.
Genome position (GRCh38, 1-based): chr12:7,191,279, T>G. VCF-style: chr12-7191279-T-G. GRCh37 (hg19) VCF-style: chr12-7343875-T-G.
Other names: c.237T>G, p.Pro79= (NM_000319.5, NM_001131024.2, NM_001131025.2 and 19 more transcripts); c.282T>G, p.Pro94= (NM_001131023.2, NM_001351135.3, NM_001351138.2).
Identifiers: ClinVar variation 2086507 (VCV002086507.4), dbSNP rs2539831638, ClinGen allele CA478185508.
Genomic context (GRCh38, chr12:7,191,279, plus strand): 5'-CTGGCAGTTGGTGGCTGAATTCCTGCAGGACCAGAATGCACCCCTTGTGTCCCGTGCCCC[T>G]CAGACCTTCAAGATGGATGACCTCCTGGCTGAGATGCAGCAGATTGAGCAGTCAAACTTC-3'
Protein context (NP_001338061.1, residues 69-89): DQNAPLVSRA[Pro79=]QTFKMDDLLA

ClinVar aggregate classification (germline): Uncertain significance (1 of 4 stars; one submission).

Conditions:
Peroxisome biogenesis disorder 2B (PBD2B). Identifiers: Orphanet 44, MedGen C3550234, MONDO:0008736, OMIM 202370.

Submission:

Labcorp Genetics (formerly Invitae), Labcorp
Classification: Uncertain significance for Peroxisome biogenesis disorder 2B. Last evaluated: 2022-05-07. Review status: criteria provided, single submitter. Criteria: Invitae Variant Classification Sherloc (09022015). Collection method: clinical testing. Allele origin: germline.
Comment: Algorithms developed to predict the effect of sequence changes on RNA splicing suggest that this variant may create or strengthen a splice site. In summary, the available evidence is currently insufficient to determine the role of this variant in disease. Therefore, it has been classified as a Variant of Uncertain Significance. This variant has not been reported in the literature in individuals affected with PEX5-related conditions. This variant is not present in population databases (gnomAD no frequency). This sequence change affects codon 79 of the PEX5 mRNA. It is a 'silent' change, meaning that it does not change the encoded amino acid sequence of the PEX5 protein.